The following is an entry in ClinVar:

ClinVar aggregate classification (germline): Pathogenic/Likely pathogenic. Review status: criteria provided, multiple submitters, no conflicts (2 of 4 stars). 2 submissions from 2 submitters: Pathogenic (1); Likely pathogenic (1). Last evaluated 2022-08-25.

Conditions:
Carney-Stratakis syndrome. Also called: PARAGANGLIOMA AND GASTROINTESTINAL STROMAL TUMOR. Identifiers: Orphanet 97286, MedGen C1847319, MONDO:0011740, OMIM 606864.
Pheochromocytoma. Also called: MAX-Related Hereditary Paraganglioma-Pheochromocytoma Syndrome. Identifiers: Orphanet 29072, MedGen C0031511, MONDO:0008233, OMIM 171300, HP:0002666.
Paragangliomas with sensorineural hearing loss. Identifiers: MedGen C1868633.
Cowden syndrome 3 (CWS3). Identifiers: Orphanet 201, MedGen CN166604, MONDO:0014045.

Submissions (2):

MGZ Medical Genetics Center
Classification: Likely pathogenic for Pheochromocytoma. Last evaluated: 2022-08-25. Review status: criteria provided, single submitter. Criteria: ACMG Guidelines, 2015. Collection method: clinical testing. Allele origin: germline. Affected: yes. Observed: 1 variant allele.
Comment: ACMG criteria applied: PVS1_STR, PS4_MOD, PM2_SUP

Labcorp Genetics (formerly Invitae), Labcorp
Classification: Pathogenic for Carney-Stratakis syndrome; Paragangliomas with sensorineural hearing loss; Pheochromocytoma; Cowden syndrome 3. Last evaluated: 2022-01-12. Review status: criteria provided, single submitter. Criteria: Invitae Variant Classification Sherloc (09022015). Collection method: clinical testing. Allele origin: germline.
Comment: This variant disrupts a region of the SDHD protein in which other variant(s) (p.Leu139Pro, p.Ser132Glnfs*3) have been determined to be pathogenic (PMID: 11391798, 21348866; Invitae). This suggests that this is a clinically significant region of the protein, and that variants that disrupt it are likely to be disease-causing. ClinVar contains an entry for this variant (Variation ID: 239470). For these reasons, this variant has been classified as Pathogenic. This sequence change creates a premature translational stop signal (p.Gln121*) in the SDHD gene. While this is not anticipated to result in nonsense mediated decay, it is expected to disrupt the last 39 amino acid(s) of the SDHD protein. This variant is not present in population databases (gnomAD no frequency). This premature translational stop signal has been observed in individual(s) with pheochromocytoma (PMID: 12000816).

Literature cited by the submitters: PubMed 11391798 (cited by Labcorp Genetics (formerly Invitae), Labcorp); PubMed 21348866 (cited by Labcorp Genetics (formerly Invitae), Labcorp); PubMed 12000816 (cited by Labcorp Genetics (formerly Invitae), Labcorp).

NM_003002.4(SDHD):c.361C>T (p.Gln121Ter)

Gene: SDHD (succinate dehydrogenase complex subunit D; plus strand). Cytogenetic location: 11q23.1.
Variant type: single nucleotide variant.
Coding change: c.361C>T on transcript NM_003002.4 (MANE Select); coding-DNA position 361, C replaced by T.
Protein change: p.Gln121Ter; replaces glutamine 121 with a stop codon.
Molecular consequence: nonsense. On other transcripts: synonymous variant (1), 3 prime UTR variant (1), non-coding transcript variant (1).
Genome position (GRCh38, 1-based): chr11:112,094,851, C>T. VCF-style: chr11-112094851-C-T. GRCh37 (hg19) VCF-style: chr11-111965575-C-T.
Other names: c.216C>T, p.Cys72= (NM_001276503.2); c.244C>T, p.Gln82Ter (NM_001276504.2); c.*59C>T (NM_001276506.2); short protein forms Q121*, Q82*.
Identifiers: ClinVar variation 239470 (VCV000239470.14), dbSNP rs878854594, ClinGen allele CA10582872.